The following is an entry in ClinVar:

NM_144997.7(FLCN):c.619-15C>T

Gene: FLCN (folliculin; minus strand). Cytogenetic location: 17p11.2.
Variant type: single nucleotide variant.
Coding change: c.619-15C>T on transcript NM_144997.7 (MANE Select); 15 bases into the intron before coding-DNA position 619, C replaced by T.
Molecular consequence: intron variant.
Genome position (GRCh38, 1-based): chr17:17,222,676, G>A on the plus strand (C>T on the coding strand, the complement: FLCN is on the minus strand). VCF-style: chr17-17222676-G-A. GRCh37 (hg19) VCF-style: chr17-17125990-G-A.
Other names: c.619-15C>T (NM_001353231.2, NM_001353230.2, NM_144606.7); c.673-15C>T (NM_001353229.2).
Identifiers: ClinVar variation 1598282 (VCV001598282.9), dbSNP rs572284084, ClinGen allele CA8416350.

ClinVar aggregate classification (germline): Benign/Likely benign. Review status: criteria provided, multiple submitters, no conflicts (2 of 4 stars). 2 submissions from 2 submitters: Benign (1); Likely benign (1). Last evaluated 2025-06-30.

Conditions:
Birt-Hogg-Dube syndrome. Also called: Birt Hogg Dubé syndrome. Identifiers: Orphanet 122, MedGen C0346010, MONDO:0800444.
Birt-Hogg-Dube syndrome 1 (BHD1). Also called: FIBROFOLLICULOMAS WITH TRICHODISCOMAS AND ACROCHORDONS. Identifiers: Orphanet 122, MedGen CN375946, MONDO:0800445, OMIM 135150.

Allele frequency attached by ClinVar (database versions not stated): gnomAD 0.00001; gnomAD exomes 0.00002; ExAC 0.00005; 1000 Genomes Project 0.00020; 1000 Genomes Project 30x 0.00031.
gnomAD v4.1: 11 of 1,614,172 alleles (0.00068%); highest among the groups gnomAD compares: South Asian, 0.011%; no homozygotes.

Submissions (2):

Labcorp Genetics (formerly Invitae), Labcorp
Classification: Likely benign for Birt-Hogg-Dube syndrome. Last evaluated: 2025-06-30. Review status: criteria provided, single submitter. Criteria: Invitae Variant Classification Sherloc (09022015). Collection method: clinical testing. Allele origin: germline.

Myriad Genetics, Inc.
Classification: Benign for Birt-Hogg-Dube syndrome 1. Last evaluated: 2024-09-04. Review status: criteria provided, single submitter. Criteria: Myriad Autosomal Dominant, Autosomal Recessive and X-Linked Classification Criteria (2023). Collection method: clinical testing. Allele origin: unknown.
Comment: This variant is considered benign. This variant is intronic and is not expected to impact mRNA splicing. This variant has been observed at a population frequency that is significantly greater than expected given the associated disease prevalence and penetrance.